The following is an entry in ClinVar:

ClinVar aggregate classification (germline): Uncertain significance (1 of 4 stars; one submission).

gnomAD v4.1: 1 of 1,613,706 alleles (0.000062%); no homozygotes.

Submission:

Labcorp Genetics (formerly Invitae), Labcorp
Classification: Uncertain significance. Last evaluated: 2021-07-18. Review status: criteria provided, single submitter. Criteria: Invitae Variant Classification Sherloc (09022015). Collection method: clinical testing. Allele origin: germline.
Comment: This variant is not present in population databases (ExAC no frequency). In summary, the available evidence is currently insufficient to determine the role of this variant in disease. Therefore, it has been classified as a Variant of Uncertain Significance. Algorithms developed to predict the effect of missense changes on protein structure and function are either unavailable or do not agree on the potential impact of this missense change (SIFT: "Deleterious"; PolyPhen-2: "Benign"; Align-GVGD: "Class C0"). This variant has not been reported in the literature in individuals affected with IDH3A-related conditions. This sequence change replaces alanine with valine at codon 104 of the IDH3A protein (p.Ala104Val). The alanine residue is moderately conserved and there is a small physicochemical difference between alanine and valine.

NM_005530.3(IDH3A):c.311C>T (p.Ala104Val)

Gene: IDH3A (isocitrate dehydrogenase (NAD(+)) 3 catalytic subunit alpha; plus strand). Cytogenetic location: 15q25.1.
Variant type: single nucleotide variant.
Coding change: c.311C>T on transcript NM_005530.3 (MANE Select); coding-DNA position 311, C replaced by T.
Protein change: p.Ala104Val; replaces alanine 104 with valine.
Molecular consequence: missense variant.
Genome position (GRCh38, 1-based): chr15:78,161,602, C>T. VCF-style: chr15-78161602-C-T. GRCh37 (hg19) VCF-style: chr15-78453944-C-T.
Other names: short protein forms A104V.
Identifiers: ClinVar variation 1438993 (VCV001438993.8), dbSNP rs2074681813, ClinGen allele CA393542207.